The following is an entry in ClinVar:

NM_001374736.1(DST):c.16609-9T>C

Gene: DST (dystonin; minus strand). Cytogenetic location: 6p12.1.
Variant type: single nucleotide variant.
Coding change: c.16609-9T>C on transcript NM_001374736.1 (MANE Select); 9 bases into the intron before coding-DNA position 16609, T replaced by C.
Molecular consequence: intron variant.
Genome position (GRCh38, 1-based): chr6:56,536,949, A>G on the plus strand (T>C on the coding strand, the complement: DST is on the minus strand). VCF-style: chr6-56536949-A-G. GRCh37 (hg19) VCF-style: chr6-56401747-A-G.
Other names: c.10252-9T>C (NM_001144769.5); c.16609-9T>C (NM_001374722.1); c.16636-9T>C (NM_001374734.1); c.9838-9T>C (NM_001144770.2); c.9718-9T>C (NM_001374730.1, NM_001386100.1, NM_183380.4); c.15976-9T>C (NM_001374729.1); c.8740-9T>C (NM_015548.5).
Identifiers: ClinVar variation 3761280 (VCV003761280.2).
Genomic context (GRCh38, chr6:56,536,949, plus strand): 5'-TTACATCTTGCTGTTTACCTTGCAAGGGTTCAATCTCTTCTTTCTGGAATACCTGCAGTT[A>G]AAAGAGTAATAATTATATGAGTTATATTACCTATCAACCGCCAAATATATAATAAGCATT-3'

ClinVar aggregate classification (germline): Uncertain significance (1 of 4 stars; one submission).

Conditions:
Epidermolysis bullosa simplex 3, localized or generalized intermediate, with BP230 deficiency (EBS3). Also called: Epidermolysis bullosa simplex due to BP230 deficiency; Epidermolysis bullosa simplex, autosomal recessive 2. Identifiers: Orphanet 412181, MedGen C3809470, MONDO:0014180, OMIM 615425.
Hereditary sensory and autonomic neuropathy type 6. Also called: Neuropathy, hereditary sensory and autonomic, type VI; HSAN VI. Identifiers: Orphanet 314381, MedGen C3539003, MONDO:0013839, OMIM 614653.

gnomAD v4.1: 9 of 1,612,680 alleles (0.00056%); highest among the groups gnomAD compares: East Asian, 0.018%; no homozygotes.

Submission:

Labcorp Genetics (formerly Invitae), Labcorp
Classification: Uncertain significance for Epidermolysis bullosa simplex 3, localized or generalized intermediate, with BP230 deficiency; Hereditary sensory and autonomic neuropathy type 6. Last evaluated: 2024-06-24. Review status: criteria provided, single submitter. Criteria: Invitae Variant Classification Sherloc (09022015). Collection method: clinical testing. Allele origin: germline.
Comment: The DST gene has multiple clinically relevant transcripts. This variant occurs in alternate transcript NM_015548.4, and corresponds to NM_001723.5:c.*78568T>C in the primary transcript. This sequence change falls in intron 42 of the DST gene. It does not directly change the encoded amino acid sequence of the DST protein. This variant is not present in population databases (gnomAD no frequency). This variant has not been reported in the literature in individuals affected with DST-related conditions. Experimental studies and prediction algorithms are not available or were not evaluated, and the effect of this variant on mRNA splicing is currently unknown. In summary, the available evidence is currently insufficient to determine the role of this variant in disease. Therefore, it has been classified as a Variant of Uncertain Significance.